The following is an entry in ClinVar:

ClinVar aggregate classification (germline): Uncertain significance (1 of 4 stars; one submission).

Conditions:
Spinocerebellar ataxia 47 (NEDMSF). Also called: PADDAS SYNDROME; neurodevelopmental disorder with motor abnormalities, seizures, and facial dysmorphism. Identifiers: Orphanet 642747, MedGen C4693672, MONDO:0033482, OMIM 620719.

gnomAD v4.1: 3 of 1,613,292 alleles (0.00019%); highest among the groups gnomAD compares: South Asian, 0.0033%; no homozygotes.

Submission:

3billion
Classification: Uncertain significance. Last evaluated: 2023-12-12. Review status: criteria provided, single submitter. Criteria: ACMG Guidelines, 2015. Collection method: clinical testing. Allele origin: germline. Affected: yes.
Comment: The variant is not observed in the gnomAD v2.1.1 dataset. Predicted Consequence/Location: Missense changes are a common disease-causing mechanism. Therefore, this variant is classified as VUS according to the recommendation of ACMG/AMP guideline.

NM_001020658.2(PUM1):c.2618C>T (p.Ala873Val)

Genes: PUM1 (pumilio RNA binding family member 1; minus strand), LOC126805680 (BRD4-independent group 4 enhancer GRCh37_chr1:31424624-31425823; plus strand). Cytogenetic location: 1p35.2.
Variant type: single nucleotide variant.
Coding change: c.2618C>T on transcript NM_001020658.2 (MANE Select); coding-DNA position 2618, C replaced by T.
Protein change: p.Ala873Val; replaces alanine 873 with valine.
Molecular consequence: missense variant.
Genome position (GRCh38, 1-based): chr1:30,952,337, G>A on the plus strand (C>T on the coding strand, the complement: PUM1 is on the minus strand). VCF-style: chr1-30952337-G-A. GRCh37 (hg19) VCF-style: chr1-31425184-G-A.
Other names: c.2618C>T, p.Ala873Val (NM_014676.3); short protein forms A873V.
Identifiers: ClinVar variation 3775431 (VCV003775431.1).